The following is an entry in ClinVar:

NM_194454.3(KRIT1):c.1596_1606del (p.Phe532fs)

Gene: KRIT1 (KRIT1 ankyrin repeat containing; minus strand). Cytogenetic location: 7q21.2.
Variant type: Deletion.
Coding change: c.1596_1606del on transcript NM_194454.3 (MANE Select); coding-DNA positions 1596 to 1606, 11 bases deleted (TGATGAAGCCA).
Protein change: p.Phe532fs; shifts the reading frame from phenylalanine 532.
Molecular consequence: frameshift variant.
Genome position (GRCh38, 1-based): chr7:92,214,735-92,214,745, TGGCTTCATCA deleted on the plus strand (TGATGAAGCCA on the coding strand, the reverse complement: KRIT1 is on the minus strand). VCF-style (leftmost placement, unchanged base first): chr7-92214734-CTGGCTTCATCA-C. GRCh37 (hg19) VCF-style: chr7-91844048-CTGGCTTCATCA-C.
Other names: c.1452_1462del, p.Phe484fs (NM_001013406.2, NM_001350669.1, NM_001350670.1); c.882_892del, p.Phe294fs (NM_001350671.1); c.1596_1606del, p.Phe532fs (NM_001350672.1, NM_001350673.1, NM_001350674.1 and 26 more transcripts); short protein forms F294fs, F532fs, F484fs.
Identifiers: ClinVar variation 2693062 (VCV002693062.3), dbSNP rs2535726892, ClinGen allele CA2697557396.

ClinVar aggregate classification (germline): Pathogenic (1 of 4 stars; one submission).

Conditions:
Cerebral cavernous malformation (CCM). Also called: Cavernous Hemangioma of Brain; Cerebral cavernous malformations; Cerebral cavernous hemangioma (type); CAVERNOUS ANGIOMA, FAMILIAL; CAVERNOUS ANGIOMATOUS MALFORMATIONS; CEREBRAL CAPILLARY MALFORMATIONS. Identifiers: Orphanet 221061, MedGen C2919945, MONDO:0000820, OMIM 116860, HP:0033522.

Submission:

Labcorp Genetics (formerly Invitae), Labcorp
Classification: Pathogenic for Cerebral cavernous malformation. Last evaluated: 2024-08-16. Review status: criteria provided, single submitter. Criteria: Invitae Variant Classification Sherloc (09022015). Collection method: clinical testing. Allele origin: germline.
Comment: This sequence change creates a premature translational stop signal (p.Phe532Leufs*3) in the KRIT1 gene. It is expected to result in an absent or disrupted protein product. Loss-of-function variants in KRIT1 are known to be pathogenic (PMID: 10508515, 11222804, 12404106, 24689081). This variant is not present in population databases (gnomAD no frequency). This variant has not been reported in the literature in individuals affected with KRIT1-related conditions. Algorithms developed to predict the effect of sequence changes on RNA splicing suggest that this variant may disrupt the consensus splice site. For these reasons, this variant has been classified as Pathogenic.

Literature cited by the submitters: PubMed 10508515; PubMed 11222804; PubMed 12404106; PubMed 24689081.